The following is an entry in ClinVar:

NM_014339.7(IL17RA):c.2252T>G (p.Leu751Trp)

Gene: IL17RA (interleukin 17 receptor A; plus strand). Cytogenetic location: 22q11.1.
Variant type: single nucleotide variant.
Coding change: c.2252T>G on transcript NM_014339.7 (MANE Select); coding-DNA position 2252, T replaced by G.
Protein change: p.Leu751Trp; replaces leucine 751 with tryptophan.
Molecular consequence: missense variant.
Genome position (GRCh38, 1-based): chr22:17,109,471, T>G. VCF-style: chr22-17109471-T-G. GRCh37 (hg19) VCF-style: chr22-17590361-T-G.
Other names: c.2150T>G, p.Leu717Trp (NM_001289905.2); short protein forms L717W, L751W.
Identifiers: ClinVar variation 2105207 (VCV002105207.4), dbSNP rs1041169990, ClinGen allele CA410221504.

ClinVar aggregate classification (germline): Uncertain significance (1 of 4 stars; one submission).

Conditions:
Immunodeficiency 51 (IMD51). Also called: CANDIDIASIS, FAMILIAL, 5. Identifiers: Orphanet 1334, MedGen C4310803, MONDO:0013500, OMIM 613953.

Submission:

Labcorp Genetics (formerly Invitae), Labcorp
Classification: Uncertain significance for Immunodeficiency 51. Last evaluated: 2022-03-01. Review status: criteria provided, single submitter. Criteria: Invitae Variant Classification Sherloc (09022015). Collection method: clinical testing. Allele origin: germline.
Comment: In summary, the available evidence is currently insufficient to determine the role of this variant in disease. Therefore, it has been classified as a Variant of Uncertain Significance. Algorithms developed to predict the effect of missense changes on protein structure and function (SIFT, PolyPhen-2, Align-GVGD) all suggest that this variant is likely to be tolerated. This variant has not been reported in the literature in individuals affected with IL17RA-related conditions. This variant is not present in population databases (gnomAD no frequency). This sequence change replaces leucine, which is neutral and non-polar, with tryptophan, which is neutral and slightly polar, at codon 751 of the IL17RA protein (p.Leu751Trp).